The following is an entry in ClinVar:

ClinVar aggregate classification (germline): Uncertain significance (1 of 4 stars; one submission).

Submission:

GeneDx
Classification: Uncertain significance. Last evaluated: 2016-01-11. Review status: criteria provided, single submitter. Criteria: GeneDx Variant Classification (06012015). Collection method: clinical testing. Allele origin: germline. Affected: yes.
Comment: This variant is denoted MSH6 c.2459G>T at the cDNA level, p.Arg820Met (R820M) at the protein level, and results in the change of an Arginine to a Methionine (AGG>ATG). This variant has not, to our knowledge, been published in the literature as pathogenic or benign. MSH6 Arg820Met was not observed in approximately 6,500 individuals of European and African American ancestry in the NHLBI Exome Sequencing Project, suggesting it is not a common benign variant in these populations. Since Arginine and Methionine differ in polarity, charge, size or other properties, this is considered a non-conservative amino acid substitution. MSH6 Arg820Met occurs at a position that is conserved across species and is located in domain III of the MutS domain (Terui 2013). In silico analyses predict that this variant is probably damaging to protein structure and function. Based on currently available evidence, it is unclear whether MSH6 Arg820Met is a pathogenic or benign variant. We consider it to be a variant of uncertain significance.

NM_000179.3(MSH6):c.2459G>T (p.Arg820Met)

Gene: MSH6 (mutS homolog 6; plus strand). Cytogenetic location: 2p16.3.
Variant type: single nucleotide variant.
Coding change: c.2459G>T on transcript NM_000179.3 (MANE Select); coding-DNA position 2459, G replaced by T.
Protein change: p.Arg820Met; replaces arginine 820 with methionine.
Molecular consequence: missense variant.
Genome position (GRCh38, 1-based): chr2:47,800,442, G>T. VCF-style: chr2-47800442-G-T. GRCh37 (hg19) VCF-style: chr2-48027581-G-T.
Other names: c.2069G>T, p.Arg690Met (NM_001281492.2); c.1553G>T, p.Arg518Met (NM_001281493.2, NM_001281494.2); short protein forms R820M, R690M, R518M.
Identifiers: ClinVar variation 234760 (VCV000234760.2), dbSNP rs876661204, ClinGen allele CA10577274.